The following is an entry in ClinVar:

ClinVar aggregate classification (germline): Uncertain significance. Review status: criteria provided, multiple submitters, no conflicts (2 of 4 stars). 2 submissions from 2 submitters: Uncertain significance (2). Last evaluated 2024-12-20.

Conditions:
Inborn genetic diseases. Identifiers: MedGen C0950123, MeSH D030342.

Submissions (2):

Ambry Genetics
Classification: Uncertain significance for Inborn genetic diseases. Last evaluated: 2024-12-20. Review status: criteria provided, single submitter. Criteria: Ambry Variant Classification Scheme 2023. Collection method: clinical testing. Allele origin: germline.
Comment: The p.R422K variant (also known as c.1265G>A), located in coding exon 7 of the ERCC6L2 gene, results from a G to A substitution at nucleotide position 1265. The arginine at codon 422 is replaced by lysine, an amino acid with highly similar properties. This amino acid position is conserved. In addition, this alteration is predicted to be tolerated by in silico analysis. Based on the available evidence, the clinical significance of this variant remains unclear.

Labcorp Genetics (formerly Invitae), Labcorp
Classification: Uncertain significance. Last evaluated: 2023-12-03. Review status: criteria provided, single submitter. Criteria: Invitae Variant Classification Sherloc (09022015). Collection method: clinical testing. Allele origin: germline.
Comment: This sequence change replaces arginine, which is basic and polar, with lysine, which is basic and polar, at codon 433 of the ERCC6L2 protein (p.Arg433Lys). This variant is not present in population databases (gnomAD no frequency). This variant has not been reported in the literature in individuals affected with ERCC6L2-related conditions. Experimental studies and prediction algorithms are not available or were not evaluated, and the functional significance of this variant is currently unknown. In summary, the available evidence is currently insufficient to determine the role of this variant in disease. Therefore, it has been classified as a Variant of Uncertain Significance.

NM_020207.7(ERCC6L2):c.1265G>A (p.Arg422Lys)

Gene: ERCC6L2 (ERCC excision repair 6 like 2; plus strand). Cytogenetic location: 9q22.32.
Variant type: single nucleotide variant.
Coding change: c.1265G>A on transcript NM_020207.7 (MANE Select); coding-DNA position 1265, G replaced by A.
Protein change: p.Arg422Lys; replaces arginine 422 with lysine.
Molecular consequence: missense variant. On other transcripts: non-coding transcript variant (1).
Genome position (GRCh38, 1-based): chr9:95,921,281, G>A. VCF-style: chr9-95921281-G-A. GRCh37 (hg19) VCF-style: chr9-98683563-G-A.
Other names: c.1265G>A, p.Arg422Lys (NM_001010895.4, NM_001375291.1, NM_001375292.1 and 2 more transcripts); short protein forms R422K.
Identifiers: ClinVar variation 2971880 (VCV002971880.4), dbSNP rs2490171641, ClinGen allele CA374123839.